The following is an entry in ClinVar:

ClinVar aggregate classification (germline): Uncertain significance (1 of 4 stars; one submission).

Conditions:
Hereditary cancer-predisposing syndrome. Also called: Tumor predisposition; Hereditary Cancer Syndrome; Hereditary neoplastic syndrome; Neoplastic Syndromes, Hereditary. Identifiers: Orphanet 140162, MedGen C0027672, MeSH D009386, MONDO:0015356.

Submission:

Ambry Genetics
Classification: Uncertain significance for Hereditary cancer-predisposing syndrome. Last evaluated: 2025-12-14. Review status: criteria provided, single submitter. Criteria: Ambry Variant Classification Scheme 2023. Collection method: clinical testing. Allele origin: germline.
Comment: The p.P209H variant (also known as c.626C>A), located in coding exon 3 of the XRCC2 gene, results from a C to A substitution at nucleotide position 626. The proline at codon 209 is replaced by histidine, an amino acid with similar properties. This amino acid position is conserved. In addition, this alteration is predicted to be tolerated by in silico analysis. Based on the available evidence, the clinical significance of this variant remains unclear.

NM_005431.2(XRCC2):c.626C>A (p.Pro209His)

Gene: XRCC2 (X-ray repair cross complementing 2; minus strand). Cytogenetic location: 7q36.1.
Variant type: single nucleotide variant.
Coding change: c.626C>A on transcript NM_005431.2 (MANE Select); coding-DNA position 626, C replaced by A.
Protein change: p.Pro209His; replaces proline 209 with histidine.
Molecular consequence: missense variant.
Genome position (GRCh38, 1-based): chr7:152,648,859, G>T on the plus strand (C>A on the coding strand, the complement: XRCC2 is on the minus strand). VCF-style: chr7-152648859-G-T. GRCh37 (hg19) VCF-style: chr7-152345944-G-T.
Other names: short protein forms P209H.
Identifiers: ClinVar variation 4558673 (VCV004558673.1).